The following is an entry in ClinVar:

ClinVar aggregate classification (germline): Uncertain significance (1 of 4 stars; one submission).

Conditions:
Autoimmune lymphoproliferative syndrome type 2A (ALPS2A). Also called: CASP10-Related Autoimmune Lymphoproliferative Syndrome; AUTOIMMUNE LYMPHOPROLIFERATIVE SYNDROME, TYPE IIA; Autoimmune lymphoproliferative syndrome type 2. Identifiers: Orphanet 3261, MedGen C1858968, MONDO:0011383, OMIM 603909.

gnomAD v4.1: 1 of 1,613,754 alleles (0.000062%); highest among the groups gnomAD compares: Non-Finnish European, 0.000085%; no homozygotes.

Submission:

Labcorp Genetics (formerly Invitae), Labcorp
Classification: Uncertain significance for Autoimmune lymphoproliferative syndrome type 2A. Last evaluated: 2026-01-17. Review status: criteria provided, single submitter. Criteria: Invitae Variant Classification Sherloc (09022015). Collection method: clinical testing. Allele origin: germline.
Comment: This sequence change replaces leucine, which is neutral and non-polar, with proline, which is neutral and non-polar, at codon 156 of the CASP10 protein (p.Leu156Pro). This variant is present in population databases (rs770690231, gnomAD 0.0009%). This variant has not been reported in the literature in individuals affected with CASP10-related conditions. Invitae Evidence Modeling of protein sequence and biophysical properties (such as structural, functional, and spatial information, amino acid conservation, physicochemical variation, residue mobility, and thermodynamic stability) indicates that this missense variant is expected to disrupt CASP10 protein function with a positive predictive value of 80%. In summary, the available evidence is currently insufficient to determine the role of this variant in disease. Therefore, it has been classified as a Variant of Uncertain Significance.

NM_032977.4(CASP10):c.467T>C (p.Leu156Pro)

Gene: CASP10 (caspase 10; plus strand). Cytogenetic location: 2q33.1.
Variant type: single nucleotide variant.
Coding change: c.467T>C on transcript NM_032977.4 (MANE Select); coding-DNA position 467, T replaced by C.
Protein change: p.Leu156Pro; replaces leucine 156 with proline.
Molecular consequence: missense variant.
Genome position (GRCh38, 1-based): chr2:201,193,009, T>C. VCF-style: chr2-201193009-T-C. GRCh37 (hg19) VCF-style: chr2-202057732-T-C.
Other names: c.467T>C, p.Leu156Pro (NM_001206524.2, NM_001206542.2, NM_001230.5 and 3 more transcripts); short protein forms L156P.
Identifiers: ClinVar variation 4782914 (VCV004782914.1).